The following is an entry in ClinVar:

NM_000451.4(SHOX):c.458G>T (p.Arg153Leu)

Genes: SHOX (SHOX homeobox; plus strand), LOC107652445 (meiotic recombination hotspot SHOX; plus strand). Cytogenetic location: Yp11.2.
Variant type: single nucleotide variant.
Coding change: c.458G>T on transcript NM_000451.4 (MANE Select); coding-DNA position 458, G replaced by T.
Protein change: p.Arg153Leu; replaces arginine 153 with leucine.
Molecular consequence: missense variant.
Genome position (GRCh38, 1-based): chrX:634,798, G>T. VCF-style: chrX-634798-G-T. GRCh37 (hg19) VCF-style: chrX-595533-G-T.
Other names: c.458G>T, p.Arg153Leu (NM_006883.2); short protein forms R153L.
Identifiers: ClinVar variation 9876 (VCV000009876.2), dbSNP rs137852555, ClinGen allele CA254917.
Genomic context (GRCh38, chrX:634,798, plus strand): 5'-AGCGACTCTTCGACGAGACCCATTACCCCGACGCCTTCATGCGCGAGGAGCTCAGCCAGC[G>T]CCTGGGGCTCTCCGAGGCGCGCGTGCAGGTAGGAACCCGGGGGCGGGGGCGGGGGGCCCG-3'
Protein context (NP_000442.1, residues 143-163): DAFMREELSQ[Arg153Leu]LGLSEARVQV

ClinVar aggregate classification (germline): Likely pathogenic. Review status: criteria provided, single submitter (1 of 4 stars). 2 submissions from 2 submitters: Likely pathogenic (1). 1 of the submissions does not count toward it. Last evaluated 2025-03-12.

Conditions:
Leri-Weill dyschondrosteosis (LWD). Also called: Leri-Weill Dyschondrosteosis (LWD); Léri-Weill dyschondrosteosis; DYSCHONDROSTEOSIS. Identifiers: Orphanet 240, MedGen C0265309, MONDO:0007481, OMIM 127300.

Submissions (2):

Clinical Genetics Laboratory, Skane University Hospital Lund
Classification: Likely pathogenic for Leri-Weill dyschondrosteosis. Last evaluated: 2025-03-12. Review status: criteria provided, single submitter. Criteria: ACMG Guidelines, 2015. Collection method: clinical testing. Allele origin: germline. Affected: yes.
Comment: ACMG criteria used: PS3_Supporting, PS4_Supporting, PM2, PP1_Moderate, PP3

OMIM
Classification: Pathogenic for LERI-WEILL DYSCHONDROSTEOSIS. Last evaluated: 2014-03-15. Review status: no assertion criteria provided. Collection method: literature only. Allele origin: germline. Not counted in ClinVar's aggregate classification.

Literature cited by the submitters: PubMed 11030412 (cited by OMIM); PubMed 24186869 (cited by OMIM).